The following is an entry in ClinVar:

ClinVar aggregate classification (germline): Uncertain significance (1 of 4 stars; one submission).

Conditions:
Cryptosporidiosis-chronic cholangitis-liver disease syndrome. Also called: Immunodeficiency type 56; IL21R immunodeficiency. Identifiers: Orphanet 357329, MedGen C3554687, MONDO:0014082, OMIM 615207.

Allele frequency attached by ClinVar (database versions not stated): gnomAD exomes below 0.00001.
gnomAD v4.1: 1 of 1,612,996 alleles (0.000062%); highest among the groups gnomAD compares: Non-Finnish European, 0.000085%; no homozygotes.

Submission:

Labcorp Genetics (formerly Invitae), Labcorp
Classification: Uncertain significance for Cryptosporidiosis-chronic cholangitis-liver disease syndrome. Last evaluated: 2023-01-21. Review status: criteria provided, single submitter. Criteria: Invitae Variant Classification Sherloc (09022015). Collection method: clinical testing. Allele origin: germline.
Comment: In summary, the available evidence is currently insufficient to determine the role of this variant in disease. Therefore, it has been classified as a Variant of Uncertain Significance. Advanced modeling of protein sequence and biophysical properties (such as structural, functional, and spatial information, amino acid conservation, physicochemical variation, residue mobility, and thermodynamic stability) performed at Invitae indicates that this missense variant is not expected to disrupt IL21R protein function. This variant has not been reported in the literature in individuals affected with IL21R-related conditions. This variant is not present in population databases (gnomAD no frequency). This sequence change replaces proline, which is neutral and non-polar, with serine, which is neutral and polar, at codon 510 of the IL21R protein (p.Pro510Ser).

NM_181078.3(IL21R):c.1528C>T (p.Pro510Ser)

Genes: IL21R (interleukin 21 receptor; plus strand), IL21R-AS1 (IL21R antisense RNA 1; minus strand), LOC130058713 (ATAC-STARR-seq lymphoblastoid active region 10627; plus strand). Cytogenetic location: 16p12.1.
Variant type: single nucleotide variant.
Coding change: c.1528C>T on transcript NM_181078.3 (MANE Select); coding-DNA position 1528, C replaced by T.
Protein change: p.Pro510Ser; replaces proline 510 with serine.
Molecular consequence: missense variant. On other transcripts: non-coding transcript variant (1).
Genome position (GRCh38, 1-based): chr16:27,449,194, C>T. VCF-style: chr16-27449194-C-T. GRCh37 (hg19) VCF-style: chr16-27460515-C-T.
Other names: c.1528C>T, p.Pro510Ser (NM_021798.4); c.1594C>T, p.Pro532Ser (NM_181079.5); short protein forms P510S, P532S.
Identifiers: ClinVar variation 2819662 (VCV002819662.3), dbSNP rs2543390575, ClinGen allele CA395309127.